The following is an entry in ClinVar:

NM_006231.4(POLE):c.3582+20G>T

Gene: POLE (DNA polymerase epsilon, catalytic subunit; minus strand). Cytogenetic location: 12q24.33.
Variant type: single nucleotide variant.
Coding change: c.3582+20G>T on transcript NM_006231.4 (MANE Select); 20 bases into the intron after coding-DNA position 3582, G replaced by T.
Molecular consequence: intron variant.
Genome position (GRCh38, 1-based): chr12:132,657,116, C>A on the plus strand (G>T on the coding strand, the complement: POLE is on the minus strand). VCF-style: chr12-132657116-C-A. GRCh37 (hg19) VCF-style: chr12-133233702-C-A.
Identifiers: ClinVar variation 391125 (VCV000391125.3), dbSNP rs746745345, ClinGen allele CA6893187.

ClinVar aggregate classification (germline): Likely benign. Review status: criteria provided, multiple submitters, no conflicts (2 of 4 stars). 2 submissions from 2 submitters: Likely benign (2). Last evaluated 2025-12-03.

Allele frequency attached by ClinVar (database versions not stated): ExAC below 0.00001; gnomAD exomes below 0.00001.
gnomAD v4.1: 4 of 1,613,262 alleles (0.00025%); highest among the groups gnomAD compares: Non-Finnish European, 0.00034%; no homozygotes.

Submissions (2):

Labcorp Genetics (formerly Invitae), Labcorp
Classification: Likely benign. Last evaluated: 2025-12-03. Review status: criteria provided, single submitter. Criteria: Invitae Variant Classification Sherloc (09022015). Collection method: clinical testing. Allele origin: germline.

GeneDx
Classification: Likely benign. Last evaluated: 2016-11-21. Review status: criteria provided, single submitter. Criteria: GeneDx Variant Classification (06012015). Collection method: clinical testing. Allele origin: germline. Affected: yes.
Comment: This variant is considered likely benign or benign based on one or more of the following criteria: it is a conservative change, it occurs at a poorly conserved position in the protein, it is predicted to be benign by multiple in silico algorithms, and/or has population frequency not consistent with disease.